The following is an entry in ClinVar:

NM_002485.5(NBN):c.484A>G (p.Ile162Val)

Gene: NBN (nibrin; minus strand). Cytogenetic location: 8q21.3.
Variant type: single nucleotide variant.
Coding change: c.484A>G on transcript NM_002485.5 (MANE Select); coding-DNA position 484, A replaced by G.
Protein change: p.Ile162Val; replaces isoleucine 162 with valine.
Molecular consequence: missense variant.
Genome position (GRCh38, 1-based): chr8:89,978,320, T>C on the plus strand (A>G on the coding strand, the complement: NBN is on the minus strand). VCF-style: chr8-89978320-T-C. GRCh37 (hg19) VCF-style: chr8-90990548-T-C.
Other names: c.238A>G, p.Ile80Val (NM_001024688.3); short protein forms I162V, I80V.
Identifiers: ClinVar variation 483955 (VCV000483955.16), dbSNP rs750594114, ClinGen allele CA4802953.

ClinVar aggregate classification (germline): Uncertain significance. Review status: criteria provided, multiple submitters, no conflicts (2 of 4 stars). 3 submissions from 3 submitters: Uncertain significance (3). Last evaluated 2025-07-30.

Conditions:
Hereditary cancer-predisposing syndrome. Also called: Hereditary neoplastic syndrome; Neoplastic Syndromes, Hereditary; Tumor predisposition; Hereditary Cancer Syndrome. Identifiers: Orphanet 140162, MedGen C0027672, MeSH D009386, MONDO:0015356.
Microcephaly, normal intelligence and immunodeficiency (NBS). Also called: IMMUNODEFICIENCY, MICROCEPHALY, AND CHROMOSOMAL INSTABILITY; SEEMANOVA SYNDROME II; Nijmegen breakage syndrome; Microcephaly with normal intelligence immunodeficiency and lymphoreticular malignancies; Nonsyndromal microcephaly autosomal recessive with normal intelligence; Seemanova syndrome 2. Identifiers: Orphanet 647, MedGen C0398791, MONDO:0009623, OMIM 251260.

Allele frequency attached by ClinVar (database versions not stated): gnomAD exomes below 0.00001; ExAC 0.00001; gnomAD 0.00001; TOPMed 0.00001.
gnomAD v4.1: 1 of 1,582,864 alleles (0.000063%); highest among the groups gnomAD compares: Non-Finnish European, 0.000087%; no homozygotes.

Submissions (3):

Labcorp Genetics (formerly Invitae), Labcorp
Classification: Uncertain significance for Microcephaly, normal intelligence and immunodeficiency. Last evaluated: 2025-07-30. Review status: criteria provided, single submitter. Criteria: Invitae Variant Classification Sherloc (09022015). Collection method: clinical testing. Allele origin: germline.
Comment: This sequence change replaces isoleucine, which is neutral and non-polar, with valine, which is neutral and non-polar, at codon 162 of the NBN protein (p.Ile162Val). This variant is present in population databases (rs750594114, gnomAD 0.002%). This variant has not been reported in the literature in individuals affected with NBN-related conditions. ClinVar contains an entry for this variant (Variation ID: 483955). An algorithm developed to predict the effect of missense changes on protein structure and function (PolyPhen-2) suggests that this variant is likely to be disruptive. Algorithms developed to predict the effect of sequence changes on RNA splicing suggest that this variant may create or strengthen a splice site. In summary, the available evidence is currently insufficient to determine the role of this variant in disease. Therefore, it has been classified as a Variant of Uncertain Significance.

Genome-Nilou Lab
Classification: Uncertain significance for Microcephaly, normal intelligence and immunodeficiency. Last evaluated: 2021-11-07. Review status: criteria provided, single submitter. Criteria: ACMG Guidelines, 2015. Collection method: clinical testing. Allele origin: germline. Affected: no.

Ambry Genetics
Classification: Uncertain significance for Hereditary cancer-predisposing syndrome. Last evaluated: 2016-03-24. Review status: criteria provided, single submitter. Criteria: Ambry Variant Classification Scheme 2023. Collection method: clinical testing. Allele origin: germline.
Comment: The p.I162V variant (also known as c.484A>G), located in coding exon 5 of the NBN gene, results from an A to G substitution at nucleotide position 484. The isoleucine at codon 162 is replaced by valine, an amino acid with highly similar properties. This variant was not reported in population based cohorts in the following databases: Database of Single Nucleotide Polymorphisms (dbSNP), NHLBI Exome Sequencing Project (ESP), and 1000 Genomes Project. In the ESP, this variant was not observed in 6503 samples (13006 alleles) with coverage at this position. To date, this alteration has been detected with an allele frequency of approximately 0.001% (greater than 120000 alleles tested) in our clinical cohort. This amino acid position is highly conserved in available vertebrate species. In addition, the in silico prediction for this alteration is inconclusive. Since supporting evidence is limited at this time, the clinical significance of this alteration remains unclear.